The following is an entry in ClinVar:

ClinVar aggregate classification (germline): Pathogenic/Likely pathogenic. Review status: criteria provided, multiple submitters, no conflicts (2 of 4 stars). 3 submissions from 3 submitters: Pathogenic (1); Likely pathogenic (2). Last evaluated 2026-01-22.

Conditions:
Hereditary cancer-predisposing syndrome. Also called: Tumor predisposition; Hereditary neoplastic syndrome; Hereditary Cancer Syndrome; Neoplastic Syndromes, Hereditary. Identifiers: Orphanet 140162, MedGen C0027672, MeSH D009386, MONDO:0015356.
Familial cancer of breast. Also called: BREAST CANCER, FAMILIAL; Hereditary breast cancer; hereditary breast carcinoma. Identifiers: Orphanet 227535, MedGen C0346153, MONDO:0016419, OMIM 114480. Disease mechanism: loss of function.

Submissions (3):

Ambry Genetics
Classification: Likely pathogenic for Hereditary cancer-predisposing syndrome. Last evaluated: 2026-01-22. Review status: criteria provided, single submitter. Criteria: Ambry Variant Classification Scheme 2023. Collection method: clinical testing. Allele origin: germline.
Comment: The p.L679* variant (also known as c.2036T>A), located in coding exon 11 of the BARD1 gene, results from a T to A substitution at nucleotide position 2036. This changes the amino acid from a leucine to a stop codon within coding exon 11. This variant occurs at the 3' terminus of the gene, is not expected to trigger nonsense-mediated mRNA decay, and impacts the last 12% of the protein. However, premature stop codons are typically deleterious in nature and a significant portion of the protein is affected (Ambry internal data). This variant is considered to be rare based on population cohorts in the Genome Aggregation Database (gnomAD). Based on the majority of available evidence to date, this variant is likely to be pathogenic.

Myriad Genetics, Inc.
Classification: Pathogenic for Familial cancer of breast. Last evaluated: 2023-05-25. Review status: criteria provided, single submitter. Criteria: Myriad Autosomal Dominant, Autosomal Recessive and X-Linked Classification Criteria (2023). Collection method: clinical testing. Allele origin: unknown.
Comment: This variant is considered pathogenic. This variant creates a termination codon and is predicted to result in premature protein truncation.

Labcorp Genetics (formerly Invitae), Labcorp
Classification: Likely pathogenic for Familial cancer of breast. Last evaluated: 2019-04-22. Review status: criteria provided, single submitter. Criteria: Invitae Variant Classification Sherloc (09022015). Collection method: clinical testing. Allele origin: germline.
Comment: In summary, the currently available evidence indicates that the variant is pathogenic, but additional data are needed to prove that conclusively. Therefore, this variant has been classified as Likely Pathogenic. This sequence change results in a premature translational stop signal in the BARD1 gene (p.Leu679*). While this is not anticipated to result in nonsense mediated decay, it is expected to disrupt the last 99 amino acids of the BARD1 protein. This variant is not present in population databases (ExAC no frequency). This variant has not been reported in the literature in individuals with BARD1-related conditions. Algorithms developed to predict the effect of sequence changes on RNA splicing suggest that this variant may create or strengthen a splice site, but this prediction has not been confirmed by published transcriptional studies. This variant disrupts the BRCT domain of the BARD1 protein, which is essential for promoting chromosome stability and homology-directed DNA repair (PMID: 17848578). While functional studies have not been performed to directly test the effect of this variant on BARD1 protein function, this suggests that disruption of this region of the protein is causative of disease.

Literature cited by the submitters: PubMed 17848578 (cited by Labcorp Genetics (formerly Invitae), Labcorp).

NM_000465.4(BARD1):c.2036T>A (p.Leu679Ter)

Gene: BARD1 (BRCA1 associated RING domain 1; minus strand). Cytogenetic location: 2q35.
Variant type: single nucleotide variant.
Coding change: c.2036T>A on transcript NM_000465.4 (MANE Select); coding-DNA position 2036, T replaced by A.
Protein change: p.Leu679Ter; replaces leucine 679 with a stop codon.
Molecular consequence: nonsense. On other transcripts: non-coding transcript variant (3).
Genome position (GRCh38, 1-based): chr2:214,728,974, A>T on the plus strand (T>A on the coding strand, the complement: BARD1 is on the minus strand). VCF-style: chr2-214728974-A-T. GRCh37 (hg19) VCF-style: chr2-215593698-A-T.
Other names: c.2036T>A (NM_000465.2); c.1979T>A, p.Leu660Ter (NM_001282543.2); c.683T>A, p.Leu228Ter (NM_001282545.2); c.626T>A, p.Leu209Ter (NM_001282548.2); c.497T>A, p.Leu166Ter (NM_001282549.2); short protein forms L228*, L166*, L209*, L679*, L660*.
Identifiers: ClinVar variation 945721 (VCV000945721.13), dbSNP rs1692227690, ClinGen allele CA350450757.